The following is an entry in ClinVar:

ClinVar aggregate classification (germline): Pathogenic (1 of 4 stars; one submission).

Conditions:
Phenylketonuria (PKU). Also called: Phenylketonurias; Phenylketonuria (PKU); OLIGOPHRENIA PHENYLPYRUVICA; FOLLING DISEASE. Identifiers: Orphanet 716, MedGen C0031485, MONDO:0009861, OMIM 261600. Disease mechanism: loss of function.

Submission:

Labcorp Genetics (formerly Invitae), Labcorp
Classification: Pathogenic for Phenylketonuria. Last evaluated: 2020-07-12. Review status: criteria provided, single submitter. Criteria: Invitae Variant Classification Sherloc (09022015). Collection method: clinical testing. Allele origin: germline.
Comment: This variant is a gross deletion of the genomic region encompassing part of exon 6 (c.553_706+646delinsTACTTACCTAT) of the PAH gene. It is expected to disrupt RNA splicing and likely results in an absent or disrupted protein product. This variant has been observed in combination with another PAH variant in individuals affected with phenylketonuria (Invitae). Loss-of-function variants in PAH are known to be pathogenic (PMID: 1301187, 9634518). For these reasons, this variant has been classified as Pathogenic.

Literature cited by the submitters: PubMed 1301187; PubMed 9634518.

NC_000012.11:g.(?_103248268)_(103249067_?)del

Gene: PAH (phenylalanine hydroxylase; minus strand). Cytogenetic location: 12q23.2.
Variant type: Deletion.
Identifiers: ClinVar variation 1074427 (VCV001074427.1).